The following is an entry in ClinVar:

ClinVar aggregate classification (germline): Uncertain significance (1 of 4 stars; one submission).

Submission:

Ambry Genetics
Classification: Uncertain significance. Last evaluated: 2023-12-21. Review status: criteria provided, single submitter. Criteria: Ambry Variant Classification Scheme 2023. Collection method: clinical testing. Allele origin: germline.
Comment: The p.A172T variant (also known as c.514G>A), located in coding exon 1 of the PALLD gene, results from a G to A substitution at nucleotide position 514. The alanine at codon 172 is replaced by threonine, an amino acid with similar properties. This amino acid position is conserved. In addition, the in silico prediction for this alteration is inconclusive. Since supporting evidence is limited at this time, the clinical significance of this alteration remains unclear.

NM_001166108.2(PALLD):c.514G>A (p.Ala172Thr)

Gene: PALLD (palladin, cytoskeletal associated protein; plus strand). Cytogenetic location: 4q32.3.
Variant type: single nucleotide variant.
Coding change: c.514G>A on transcript NM_001166108.2 (MANE Select); coding-DNA position 514, G replaced by A.
Protein change: p.Ala172Thr; replaces alanine 172 with threonine.
Molecular consequence: missense variant.
Genome position (GRCh38, 1-based): chr4:168,512,018, G>A. VCF-style: chr4-168512018-G-A. GRCh37 (hg19) VCF-style: chr4-169433169-G-A.
Other names: c.514G>A, p.Ala172Thr (NM_016081.4); short protein forms A172T.
Identifiers: ClinVar variation 3226823 (VCV003226823.1), dbSNP rs1294701498, ClinGen allele CA358726194.